The following is an entry in ClinVar:

ClinVar aggregate classification (germline): Uncertain significance. Review status: criteria provided, single submitter (1 of 4 stars). 2 submissions from 2 submitters: Uncertain significance (1). 1 of the submissions does not count toward it. Last evaluated 2026-02-16.

Conditions:
Neurodevelopmental disorder with cerebellar atrophy and motor dysfunction. Identifiers: MedGen C5543427, MONDO:0859152, OMIM 619333.

Allele frequency attached by ClinVar (database versions not stated): gnomAD exomes 0.00004 and 0.00005; ESP Exome Variant Server 0.00015; gnomAD 0.00004 and 0.00003; TOPMed 0.00003; ExAC 0.00006.
gnomAD v4.1: 79 of 1,614,098 alleles (0.0049%); highest among the groups gnomAD compares: Non-Finnish European, 0.0061%; no homozygotes.

Submissions (2):

Victorian Clinical Genetics Services, Murdoch Childrens Research Institute
Classification: Uncertain significance for Neurodevelopmental disorder with cerebellar atrophy and motor dysfunction. Last evaluated: 2026-02-16. Review status: criteria provided, single submitter. Criteria: ACMG Guidelines, 2015. Collection method: clinical testing. Allele origin: germline. Affected: yes.
Comment: This variant is classified as VUS-3A. Evidence in support of pathogenic classification: Variant is present in gnomAD <0.01 for a recessive condition (v4: 79 heterozygote(s), 0 homozygote(s)); This variant has limited previous evidence of pathogenicity in an unrelated individual. This variant has been reported as homozygous in an individual with developmental delay and ataxia (PMID: 33963192); This variant has moderate functional evidence supporting abnormal protein function. Studies in homozygous cells showed GEMIN5 and related SMN-snRNP spliceosome complex proteins had decreased cytoplasmic distribution and decreased protein levels in neurons. GEMIN5 mRNA transcripts in these cells were also shown to be unstable and snRNP spliceosome complex formation was disrupted (PMID: 33963192); Missense variant predicted to be damaging by in silico tool(s) or highly conserved with a major amino acid change. Additional information: Variant is predicted to result in a missense amino acid change from Leu to Pro; This variant is heterozygous; This gene is associated with autosomal recessive disease; No comparable variants have previous evidence for pathogenicity; Variant is located in the annotated GEMI5 TPR domain (DECIPHER); Loss of function is a known mechanism of disease in this gene and is associated with neurodevelopmental disorder with cerebellar atrophy and motor dysfunction (MIM#619333).

OMIM
Classification: Pathogenic for NEURODEVELOPMENTAL DISORDER WITH CEREBELLAR ATROPHY AND MOTOR DYSFUNCTION. Last evaluated: 2021-05-27. Review status: no assertion criteria provided. Collection method: literature only. Allele origin: germline. Not counted in ClinVar's aggregate classification.

Literature cited by the submitters: PubMed 33963192 (cited by Victorian Clinical Genetics Services, Murdoch Childrens Research Institute and OMIM).

NM_015465.5(GEMIN5):c.3203T>C (p.Leu1068Pro)

Gene: GEMIN5 (gem nuclear organelle associated protein 5; minus strand). Cytogenetic location: 5q33.2.
Variant type: single nucleotide variant.
Coding change: c.3203T>C on transcript NM_015465.5 (MANE Select); coding-DNA position 3203, T replaced by C.
Protein change: p.Leu1068Pro; replaces leucine 1068 with proline.
Molecular consequence: missense variant.
Genome position (GRCh38, 1-based): chr5:154,898,582, A>G on the plus strand (T>C on the coding strand, the complement: GEMIN5 is on the minus strand). VCF-style: chr5-154898582-A-G. GRCh37 (hg19) VCF-style: chr5-154278142-A-G.
Other names: c.3200T>C, p.Leu1067Pro (NM_001252156.2); short protein forms L1068P, L1067P.
Identifiers: ClinVar variation 1120198 (VCV001120198.2), dbSNP rs371174241, ClinGen allele CA3528453.